The following is an entry in ClinVar:

ClinVar aggregate classification (germline): Pathogenic (1 of 4 stars; one submission).

Conditions:
Bosch-Boonstra-Schaaf optic atrophy syndrome (BBSOAS). Also called: NR2F1-Related Neurodevelopmental Disorder. Identifiers: Orphanet 401777, MedGen C3810363, MONDO:0014320, OMIM 615722.

Submission:

Genetics Laboratory, UDIAT-Centre Diagnòstic, Hospital Universitari Parc Tauli
Classification: Pathogenic for Bosch-Boonstra-Schaaf optic atrophy syndrome. Last evaluated: 2022-10-04. Review status: criteria provided, single submitter. Criteria: Parc Tauli Hospital Assertion Criteria 2021. Collection method: clinical testing. Allele origin: de novo. Inheritance: Autosomal dominant inheritance. Affected: yes.
Comment: PVS1;PM2_supporting;PM6

NM_005654.6(NR2F1):c.1077_1084del (p.Tyr360fs)

Gene: NR2F1 (nuclear receptor subfamily 2 group F member 1; plus strand). Cytogenetic location: 5q15.
Variant type: Deletion.
Coding change: c.1077_1084del on transcript NM_005654.6 (MANE Select); coding-DNA positions 1077 to 1084, 8 bases deleted (GTACCCCA; older notation c.1077_1084delGTACCCCA).
Protein change: p.Tyr360fs; shifts the reading frame from tyrosine 360.
Molecular consequence: frameshift variant.
Genome position (GRCh38, 1-based): chr5:93,593,647-93,593,654, GTACCCCA deleted; deleting any 8 consecutive bases within chr5:93,593,644-93,593,654 gives the same sequence; the c. name uses the placement nearest the transcript's 3' end. VCF-style (leftmost placement, unchanged base first): chr5-93593643-GCCAGTACC-G. GRCh37 (hg19) VCF-style: chr5-92929349-GCCAGTACC-G.
Other names: c.627_634delGTACCCCA, p.Tyr210Profs (NM_001410754.1); short protein forms Y360fs.
Identifiers: ClinVar variation 1708261 (VCV001708261.2), dbSNP rs2480817831, ClinGen allele CA2580073783.